The following is an entry in ClinVar:

ClinVar aggregate classification (germline): Likely benign. Review status: criteria provided, multiple submitters, no conflicts (2 of 4 stars). 2 submissions from 2 submitters: Likely benign (2). Last evaluated 2018-06-14.

Allele frequency attached by ClinVar (database versions not stated): 1000 Genomes Project 30x 0.00640; 1000 Genomes Project 0.00679; TOPMed 0.01349; gnomAD 0.01518 and 0.01537; gnomAD exomes 0.02063.
gnomAD v4.1: 19,674 of 1,000,970 alleles (2%); highest among the groups gnomAD compares: Non-Finnish European, 2.5%; 254 homozygotes.

Submissions (2):

GeneDx
Classification: Likely benign. Last evaluated: 2018-06-14. Review status: criteria provided, single submitter. Criteria: GeneDx Variant Classification (06012015). Collection method: clinical testing. Allele origin: germline. Affected: yes.
Comment: This variant is considered likely benign or benign based on one or more of the following criteria: it is a conservative change, it occurs at a poorly conserved position in the protein, it is predicted to be benign by multiple in silico algorithms, and/or has population frequency not consistent with disease.

Breakthrough Genomics
Classification: Likely benign. Review status: criteria provided, single submitter. Criteria: ACMG Guidelines, 2015. Collection method: not provided. Allele origin: germline. Inheritance: Autosomal dominant inheritance. Affected: yes.

NM_001148.6(ANK2):c.1782+114T>C

Gene: ANK2 (ankyrin 2; plus strand). Cytogenetic location: 4q26.
Variant type: single nucleotide variant.
Coding change: c.1782+114T>C on transcript NM_001148.6 (MANE Select); 114 bases into the intron after coding-DNA position 1782, T replaced by C.
Molecular consequence: intron variant.
Genome position (GRCh38, 1-based): chr4:113,278,049, T>C. VCF-style: chr4-113278049-T-C. GRCh37 (hg19) VCF-style: chr4-114199205-T-C.
Other names: c.1770+114T>C (NM_001386186.2, NM_001386148.2); c.1572+114T>C (NM_001354269.3); c.1746+114T>C (NM_001386187.2); c.1740+114T>C (NM_001386147.1, NM_001386160.1, NM_001354261.2); c.1719+114T>C (NM_001354254.2, NM_001354239.2, NM_001354252.2 and 14 more transcripts); c.1695+114T>C (NM_001354249.2, NM_001354266.2, NM_001354276.2 and 13 more transcripts); c.1497+114T>C (NM_001386157.1, NM_001354277.2, NM_001386158.1); c.1827+114T>C (NM_001354241.2, NM_001386152.1, NM_001354237.2 and 5 more transcripts); and 4 more.
Identifiers: ClinVar variation 672405 (VCV000672405.2), dbSNP rs29388, ClinGen allele CA11732213.